The following is an entry in ClinVar:

ClinVar aggregate classification (germline): Uncertain significance (1 of 4 stars; one submission).

Submission:

Labcorp Genetics (formerly Invitae), Labcorp
Classification: Uncertain significance. Last evaluated: 2022-01-06. Review status: criteria provided, single submitter. Criteria: Invitae Variant Classification Sherloc (09022015). Collection method: clinical testing. Allele origin: germline.
Comment: This variant, c.608_622dup, results in the insertion of 5 amino acid(s) of the NEFH protein (p.Ala203_Gln207dup), but otherwise preserves the integrity of the reading frame. This variant is not present in population databases (gnomAD no frequency). This variant has not been reported in the literature in individuals affected with NEFH-related conditions. Algorithms developed to predict the effect of sequence changes on RNA splicing suggest that this variant may create or strengthen a splice site. In summary, the available evidence is currently insufficient to determine the role of this variant in disease. Therefore, it has been classified as a Variant of Uncertain Significance.

NM_021076.4(NEFH):c.608_622dup (p.Gln207_Glu208insAlaArgPheAlaGln)

Gene: NEFH (neurofilament heavy chain; plus strand). Cytogenetic location: 22q12.2.
Variant type: Duplication.
Coding change: c.608_622dup on transcript NM_021076.4 (MANE Select); coding-DNA positions 608 to 622, 15 bases duplicated (CGCGCTTCGCGCAGG).
Protein change: p.Gln207_Glu208insAlaArgPheAlaGln.
Molecular consequence: inframe insertion.
Genome position (GRCh38, 1-based): chr22:29,480,870-29,480,884, CGCGCTTCGCGCAGG duplicated; duplicating any 15 consecutive bases within chr22:29,480,868-29,480,884 gives the same sequence; the c. name uses the placement nearest the transcript's 3' end. VCF-style (leftmost placement, unchanged base first): chr22-29480867-T-TGGCGCGCTTCGCGCA. GRCh37 (hg19) VCF-style: chr22-29876856-T-TGGCGCGCTTCGCGCA.
Identifiers: ClinVar variation 2076479 (VCV002076479.4), dbSNP rs2146391511, ClinGen allele CA2580099482.